The following is an entry in ClinVar:

NM_006904.7(PRKDC):c.8432G>T (p.Ser2811Ile)

Gene: PRKDC (protein kinase, DNA-activated, catalytic subunit; minus strand). Cytogenetic location: 8q11.21.
Variant type: single nucleotide variant.
Coding change: c.8432G>T on transcript NM_006904.7 (MANE Select); coding-DNA position 8432, G replaced by T.
Protein change: p.Ser2811Ile; replaces serine 2811 with isoleucine.
Molecular consequence: missense variant.
Genome position (GRCh38, 1-based): chr8:47,828,313, C>A on the plus strand (G>T on the coding strand, the complement: PRKDC is on the minus strand). VCF-style: chr8-47828313-C-A. GRCh37 (hg19) VCF-style: chr8-48740874-C-A.
Other names: c.8432G>T, p.Ser2811Ile (NM_001081640.2); short protein forms S2811I.
Identifiers: ClinVar variation 2139276 (VCV002139276.3), dbSNP rs767694980, ClinGen allele CA4739818.

ClinVar aggregate classification (germline): Uncertain significance (1 of 4 stars; one submission).

Conditions:
Severe combined immunodeficiency due to DNA-PKcs deficiency. Also called: IMMUNODEFICIENCY 26 WITH NEUROLOGIC ABNORMALITIES; Immunodeficiency 26 with or without neurologic abnormalities. Identifiers: Orphanet 317425, MedGen C4014833, MONDO:0014423, OMIM 615966.

Allele frequency attached by ClinVar (database versions not stated): TOPMed below 0.00001; ExAC 0.00001; gnomAD exomes 0.00001.
gnomAD v4.1: 7 of 1,599,272 alleles (0.00044%); highest among the groups gnomAD compares: Non-Finnish European, 0.0006%; no homozygotes.

Submission:

Labcorp Genetics (formerly Invitae), Labcorp
Classification: Uncertain significance for Severe combined immunodeficiency due to DNA-PKcs deficiency. Last evaluated: 2022-07-15. Review status: criteria provided, single submitter. Criteria: Invitae Variant Classification Sherloc (09022015). Collection method: clinical testing. Allele origin: germline.
Comment: This sequence change replaces serine, which is neutral and polar, with isoleucine, which is neutral and non-polar, at codon 2811 of the PRKDC protein (p.Ser2811Ile). This variant is present in population databases (rs767694980, gnomAD 0.007%). This variant has not been reported in the literature in individuals affected with PRKDC-related conditions. Experimental studies and prediction algorithms are not available or were not evaluated, and the functional significance of this variant is currently unknown. In summary, the available evidence is currently insufficient to determine the role of this variant in disease. Therefore, it has been classified as a Variant of Uncertain Significance.